The following is an entry in ClinVar:

ClinVar aggregate classification (germline): Benign/Likely benign. Review status: criteria provided, multiple submitters, no conflicts (2 of 4 stars). 4 submissions from 4 submitters: Benign (1); Likely benign (3). Last evaluated 2025-04-29.

Conditions:
Peutz-Jeghers syndrome (PJS). Also called: POLYPOSIS, HAMARTOMATOUS INTESTINAL; POLYPS-AND-SPOTS SYNDROME; Peutz-Jeghers polyposis; Periorificial lentiginosis syndrome. Identifiers: Orphanet 2869, MedGen C0031269, MeSH D010580, MONDO:0008280, OMIM 175200.
Hereditary cancer-predisposing syndrome. Also called: Tumor predisposition; Neoplastic Syndromes, Hereditary; Hereditary Cancer Syndrome; Hereditary neoplastic syndrome. Identifiers: Orphanet 140162, MedGen C0027672, MeSH D009386, MONDO:0015356.

Allele frequency attached by ClinVar (database versions not stated): TOPMed 0.00001; gnomAD 0.00003.

Submissions (4):

Labcorp Genetics (formerly Invitae), Labcorp
Classification: Likely benign for Peutz-Jeghers syndrome. Last evaluated: 2025-04-29. Review status: criteria provided, single submitter. Criteria: Invitae Variant Classification Sherloc (09022015). Collection method: clinical testing. Allele origin: germline.

Myriad Genetics, Inc.
Classification: Benign for Peutz-Jeghers syndrome. Last evaluated: 2025-03-27. Review status: criteria provided, single submitter. Criteria: Myriad Autosomal Dominant, Autosomal Recessive and X-Linked Classification Criteria (2023). Collection method: clinical testing. Allele origin: unknown.
Comment: This variant is considered benign. This variant is a silent/synonymous amino acid change and it is not expected to impact splicing.

Ambry Genetics
Classification: Likely benign for Hereditary cancer-predisposing syndrome. Last evaluated: 2021-05-25. Review status: criteria provided, single submitter. Criteria: Ambry Variant Classification Scheme 2023. Collection method: clinical testing. Allele origin: germline.

Color Diagnostics, LLC DBA Color Health
Classification: Likely benign for Hereditary cancer-predisposing syndrome. Last evaluated: 2018-07-09. Review status: criteria provided, single submitter. Criteria: ACMG Guidelines, 2015. Collection method: clinical testing. Allele origin: germline.

NM_000455.5(STK11):c.846C>T (p.Leu282=)

Gene: STK11 (serine/threonine kinase 11; plus strand). Cytogenetic location: 19p13.3.
Variant type: single nucleotide variant.
Coding change: c.846C>T on transcript NM_000455.5 (MANE Select); coding-DNA position 846, C replaced by T.
Protein change: p.Leu282=; no amino-acid change (leucine 282 retained).
Molecular consequence: synonymous variant.
Genome position (GRCh38, 1-based): chr19:1,221,324, C>T. VCF-style: chr19-1221324-C-T. GRCh37 (hg19) VCF-style: chr19-1221323-C-T.
Identifiers: ClinVar variation 628828 (VCV000628828.16), dbSNP rs777872290, ClinGen allele CA504707319.